The following is an entry in ClinVar:

NM_001003800.2(BICD2):c.1204G>A (p.Ala402Thr)

Gene: BICD2 (BICD cargo adaptor 2; minus strand). Cytogenetic location: 9q22.31.
Variant type: single nucleotide variant.
Coding change: c.1204G>A on transcript NM_001003800.2 (MANE Select); coding-DNA position 1204, G replaced by A.
Protein change: p.Ala402Thr; replaces alanine 402 with threonine.
Molecular consequence: missense variant.
Genome position (GRCh38, 1-based): chr9:92,719,441, C>T on the plus strand (G>A on the coding strand, the complement: BICD2 is on the minus strand). VCF-style: chr9-92719441-C-T. GRCh37 (hg19) VCF-style: chr9-95481723-C-T.
Other names: c.1204G>A, p.Ala402Thr (NM_015250.4); short protein forms A402T.
Identifiers: ClinVar variation 2169655 (VCV002169655.4), dbSNP rs1281358234, ClinGen allele CA374039909.

ClinVar aggregate classification (germline): Uncertain significance (1 of 4 stars; one submission).

Conditions:
Autosomal dominant childhood-onset proximal spinal muscular atrophy with contractures (SMALED2A). Also called: SPINAL MUSCULAR ATROPHY, LOWER EXTREMITY-PREDOMINANT, 2A, CHILDHOOD ONSET, AUTOSOMAL DOMINANT; Spinal muscular atrophy, lower extremity-predominant, 2A, autosomal dominant. Identifiers: Orphanet 363447, Orphanet 363454, MedGen C4747715, MONDO:0014121, OMIM 615290.

gnomAD v4.1: 12 of 1,614,150 alleles (0.00074%); highest among the groups gnomAD compares: Non-Finnish European, 0.001%; no homozygotes.

Submission:

Labcorp Genetics (formerly Invitae), Labcorp
Classification: Uncertain significance for Autosomal dominant childhood-onset proximal spinal muscular atrophy with contractures. Last evaluated: 2024-10-31. Review status: criteria provided, single submitter. Criteria: Invitae Variant Classification Sherloc (09022015). Collection method: clinical testing. Allele origin: germline.
Comment: This sequence change replaces alanine, which is neutral and non-polar, with threonine, which is neutral and polar, at codon 402 of the BICD2 protein (p.Ala402Thr). This variant is present in population databases (no rsID available, gnomAD 0.0009%). This variant has not been reported in the literature in individuals affected with BICD2-related conditions. ClinVar contains an entry for this variant (Variation ID: 2169655). Invitae Evidence Modeling of protein sequence and biophysical properties (such as structural, functional, and spatial information, amino acid conservation, physicochemical variation, residue mobility, and thermodynamic stability) indicates that this missense variant is not expected to disrupt BICD2 protein function with a negative predictive value of 80%. In summary, the available evidence is currently insufficient to determine the role of this variant in disease. Therefore, it has been classified as a Variant of Uncertain Significance.